The following is an entry in ClinVar:

ClinVar aggregate classification (germline): Uncertain significance (1 of 4 stars; one submission).

Conditions:
Hereditary cancer-predisposing syndrome. Also called: Tumor predisposition; Hereditary neoplastic syndrome; Hereditary Cancer Syndrome; Neoplastic Syndromes, Hereditary. Identifiers: Orphanet 140162, MedGen C0027672, MeSH D009386, MONDO:0015356.

Submission:

Ambry Genetics
Classification: Uncertain significance for Hereditary cancer-predisposing syndrome. Last evaluated: 2025-06-08. Review status: criteria provided, single submitter. Criteria: Ambry Variant Classification Scheme 2023. Collection method: clinical testing. Allele origin: germline.
Comment: The p.Q182L variant (also known as c.545A>T), located in coding exon 5 of the SMARCB1 gene, results from an A to T substitution at nucleotide position 545. The glutamine at codon 182 is replaced by leucine, an amino acid with dissimilar properties. This amino acid position is conserved. In addition, the in silico prediction for this alteration is inconclusive. Based on the available evidence, the clinical significance of this variant remains unclear.

NM_003073.5(SMARCB1):c.545A>T (p.Gln182Leu)

Gene: SMARCB1 (SWI/SNF related BAF chromatin remodeling complex subunit B1; plus strand). Cytogenetic location: 22q11.23.
Variant type: single nucleotide variant.
Coding change: c.545A>T on transcript NM_003073.5 (MANE Select); coding-DNA position 545, A replaced by T.
Protein change: p.Gln182Leu; replaces glutamine 182 with leucine.
Molecular consequence: missense variant.
Genome position (GRCh38, 1-based): chr22:23,803,339, A>T. VCF-style: chr22-23803339-A-T. GRCh37 (hg19) VCF-style: chr22-24145526-A-T.
Other names: c.518A>T, p.Gln173Leu (NM_001007468.3); c.572A>T, p.Gln191Leu (NM_001317946.2); c.599A>T, p.Gln200Leu (NM_001362877.2); short protein forms Q182L, Q200L, Q173L, Q191L.
Identifiers: ClinVar variation 3958510 (VCV003958510.1).
Genomic context (GRCh38, chr22:23,803,339, plus strand): 5'-TCCATTTCACTTTCAGCTTTGATGACCATGACCCAGCTGTGATCCATGAGAACGCATCTC[A>T]GCCCGAGGTGCTGGTCCCCATCCGGCTGGACATGGAGATCGATGGGCAGAAGCTGCGAGA-3'
Protein context (NP_003064.2, residues 172-192): DPAVIHENAS[Gln182Leu]PEVLVPIRLD